The following is an entry in ClinVar:

NM_000393.5(COL5A2):c.250G>A (p.Asp84Asn)

Gene: COL5A2 (collagen type V alpha 2 chain; minus strand). Cytogenetic location: 2q32.2.
Variant type: single nucleotide variant.
Coding change: c.250G>A on transcript NM_000393.5 (MANE Select); coding-DNA position 250, G replaced by A.
Protein change: p.Asp84Asn; replaces aspartic acid 84 with asparagine.
Molecular consequence: missense variant.
Genome position (GRCh38, 1-based): chr2:189,110,297, C>T on the plus strand (G>A on the coding strand, the complement: COL5A2 is on the minus strand). VCF-style: chr2-189110297-C-T. GRCh37 (hg19) VCF-style: chr2-189975023-C-T.
Other names: c.250G>A (NM_000393.4); short protein forms D84N.
Identifiers: ClinVar variation 519674 (VCV000519674.21), dbSNP rs745528957, ClinGen allele CA349867743.
Genomic context (GRCh38, chr2:189,110,297, plus strand): 5'-TGCCACCTCCAGGTGTTTGTGAACAGACAGGACAGCATTCCCCAGGGGGCGTTACAGGGT[C>T]GGCACAGTCCAGCACATCCTGGCATTCTATCTTGTCACAGAGAATGGCTCCATTGTCACA-3'
Protein context (NP_000384.2, residues 74-94): IECQDVLDCA[Asp84Asn]PVTPPGECCP

ClinVar aggregate classification (germline): Conflicting classifications of pathogenicity. Review status: criteria provided, conflicting classifications (1 of 4 stars). 5 submissions from 5 submitters: Uncertain significance (1); Likely benign (3). 1 of the submissions does not count toward it. Last evaluated 2026-01-28.

Conditions:
COL5A2-related disorder. Also called: COL5A2-related condition.
Ehlers-Danlos syndrome, classic type, 1 (EDSCL1). Also called: EDS I; EHLERS-DANLOS SYNDROME, GRAVIS TYPE; Ehlers-Danlos syndrome, type 1; Ehlers-Danlos Syndrome, Classic Type, COL5A1-Related; EHLERS-DANLOS SYNDROME, SEVERE CLASSIC TYPE. Identifiers: MedGen C0268335, MONDO:0019567, OMIM 130000.
Familial thoracic aortic aneurysm and aortic dissection (TAAD). Also called: Thoracic aortic aneurysms and dissections. Identifiers: Orphanet 91387, MedGen C4707243, MONDO:0019625.

Allele frequency attached by ClinVar (database versions not stated): gnomAD 0.00001; TOPMed 0.00002.
gnomAD v4.1: 39 of 1,613,950 alleles (0.0024%); highest among the groups gnomAD compares: Middle Eastern, 0.016%; no homozygotes.

Submissions (5):

Labcorp Genetics (formerly Invitae), Labcorp
Classification: Likely benign for Ehlers-Danlos syndrome, classic type, 1. Last evaluated: 2026-01-28. Review status: criteria provided, single submitter. Criteria: Invitae Variant Classification Sherloc (09022015). Collection method: clinical testing. Allele origin: germline.

Ambry Genetics
Classification: Likely benign for Familial thoracic aortic aneurysm and aortic dissection. Last evaluated: 2025-04-17. Review status: criteria provided, single submitter. Criteria: Ambry Variant Classification Scheme 2023. Collection method: clinical testing. Allele origin: germline.

GeneDx
Classification: Uncertain significance. Last evaluated: 2024-04-26. Review status: criteria provided, single submitter. Criteria: GeneDx Variant Classification Process June 2021. Collection method: clinical testing. Allele origin: germline. Affected: yes.
Comment: Has not been previously published as pathogenic or benign to our knowledge; Not observed at significant frequency in large population cohorts (gnomAD); In silico analysis indicates that this missense variant does not alter protein structure/function; Not located in the triple helical region, where the majority of pathogenic missense variants occur (PMID: 22696272; HGMD); This variant is associated with the following publications: (PMID: 22696272)

Blueprint Genetics
Classification: Likely benign. Last evaluated: 2024-02-28. Review status: criteria provided, single submitter. Criteria: ACMG Guidelines, 2015. Collection method: clinical testing. Allele origin: germline.

PreventionGenetics, part of Exact Sciences
Classification: Uncertain significance for COL5A2-related condition. Last evaluated: 2024-03-20. Review status: no assertion criteria provided. Collection method: clinical testing. Allele origin: germline. Not counted in ClinVar's aggregate classification.
Comment: The COL5A2 c.250G>A variant is predicted to result in the amino acid substitution p.Asp84Asn. To our knowledge, this variant has not been reported in the literature. This variant is reported in 0.0018% of alleles in individuals of European (Non-Finnish) descent in gnomAD. At this time, the clinical significance of this variant is uncertain due to the absence of conclusive functional and genetic evidence.